The following is an entry in ClinVar:

NM_001042492.3(NF1):c.4260_4261del (p.Pro1421fs)

Gene: NF1 (neurofibromin 1; plus strand). Cytogenetic location: 17q11.2.
Variant type: Deletion.
Coding change: c.4260_4261del on transcript NM_001042492.3 (MANE Select); coding-DNA positions 4260 to 4261, 2 bases deleted (AC; older notation c.4260_4261delAC).
Protein change: p.Pro1421fs; shifts the reading frame from proline 1421.
Molecular consequence: frameshift variant.
Genome position (GRCh38, 1-based): chr17:31,258,430-31,258,431, AC deleted; deleting any 2 consecutive bases within chr17:31,258,429-31,258,431 gives the same sequence; the c. name uses the placement nearest the transcript's 3' end. VCF-style (leftmost placement, unchanged base first): chr17-31258428-TCA-T. GRCh37 (hg19) VCF-style: chr17-29585446-TCA-T.
Other names: c.4197_4198delAC, p.Pro1400Valfs (NM_000267.4); c.4197_4198delAC (NM_000267.3); short protein forms P1400fs, P1421fs.
Identifiers: ClinVar variation 503798 (VCV000503798.2), dbSNP rs1555618536, ClinGen allele CA658798798.

ClinVar aggregate classification (germline): Pathogenic (1 of 4 stars; one submission).

Submission:

GeneDx
Classification: Pathogenic. Last evaluated: 2017-11-17. Review status: criteria provided, single submitter. Criteria: GeneDx Variant Classification (06012015). Collection method: clinical testing. Allele origin: germline. Affected: yes.
Comment: The c.4197_4198delAC variant has not been published as a pathogenic variant, nor has it been reported as a benign variant to our knowledge. It causes a frameshift starting with codon Proline 1400, changes this amino acid to a Valine residue and creates a premature Stop codon at position 2 of the new reading frame, denoted p.Pro1400ValfsX2. This variant is predicted to cause loss of normal protein function either through protein truncation or nonsense-mediated mRNA decay. The variant is not observed in large population cohorts (Lek et al., 2016). In summary, we consider this variant to be pathogenic.